The following is an entry in ClinVar:

ClinVar aggregate classification (germline): Conflicting classifications of pathogenicity. Review status: criteria provided, conflicting classifications (1 of 4 stars). 7 submissions from 7 submitters: Likely pathogenic (2); Uncertain significance (5). Last evaluated 2025-12-04.

Conditions:
Polycystic kidney disease, adult type (PKD1). Also called: POLYCYSTIC KIDNEY DISEASE 1 WITH OR WITHOUT POLYCYSTIC LIVER DISEASE; Polycystic Kidney Disease 1, Autosomal Dominant; Polycystic kidney disease 1; Polycystic kidney disease 1, severe; POLYCYSTIC KIDNEY DISEASE, ADULT, TYPE I; Polycystic Kidney, Autosomal Dominant. Identifiers: MedGen C3149841, MONDO:0008263, OMIM 173900.
PKD1-related disorder. Also called: PKD1-related condition.

Submissions (7):

PreventionGenetics, part of Exact Sciences
Classification: Likely pathogenic for PKD1-related condition. Last evaluated: 2025-12-04. Review status: criteria provided, single submitter. Criteria: ACMG Guidelines, 2015. Collection method: clinical testing. Allele origin: germline.
Comment: The PKD1 c.1591G>A variant is predicted to result in the amino acid substitution p.Glu531Lys. This variant has been reported in individuals with autosomal dominant polycystic kidney disease (ADPKD) and noted to segregate with the disease in one family (Table S3, Hwang et al. 2016. PubMed ID: 26453610; Wang et al. 2019 PubMed ID: 31056860). At PreventionGenetics, this variant has been reported in presumably unrelated individuals with ADPKD and was observed to segregate with the disease in one of the families (Internal Data). This variant has not been reported in a large population database (gnomAD), indicating this variant is rare. This variant is interpreted as likely pathogenic.

Department of Pathology and Laboratory Medicine, Sinai Health System
Classification: Uncertain significance for Polycystic kidney disease, adult type. Last evaluated: 2025-02-19. Review status: criteria provided, single submitter. Criteria: ACMG Guidelines, 2015. Collection method: clinical testing. Allele origin: germline.

Victorian Clinical Genetics Services, Murdoch Childrens Research Institute
Classification: Uncertain significance for Polycystic kidney disease, adult type. Last evaluated: 2024-09-23. Review status: criteria provided, single submitter. Criteria: ACMG Guidelines, 2015. Collection method: clinical testing. Allele origin: germline. Inheritance: Autosomal dominant inheritance. Affected: yes.
Comment: Based on the classification scheme VCGS_Germline_v1.3.4, this variant is classified as VUS-3B. Following criteria are met: 0102 - Loss of function is a known mechanism of disease in this gene and is associated with polycystic kidney disease 1 (MIM#173900). (I) 0107 - This gene is associated with autosomal dominant disease. Polycystic kidney disease 1 (MIM#173900) is predominantly caused by monoallelic variants, with rare reports of biallelic variants causing disease (OMIM). (I) 0200 - Variant is predicted to result in a missense amino acid change from glutamic acid to lysine. (I) 0251 - This variant is heterozygous. (I) 0301 - Variant is absent from gnomAD (both v2 and v3). (SP) 0502 - Missense variant with conflicting in silico predictions and uninformative conservation. (I) 0600 - Variant is located in the annotated lectin C-type domain (DECIPHER). (I) 0705 - No comparable missense variants have previous evidence for pathogenicity. (I) 0809 - Previous evidence of pathogenicity for this variant is inconclusive. This variant has been submitted to ClinVar twice as a VUS. This variant has also been identified in two individuals in the literature, once in an individual with bilateral polycystic kidney disease classified as likely neutral (PMID: 31056860), and once in an individual at risk or affected with polycystic kidney disease who had another PKD1 variant that co-segregated with disease in their family (PMID: 26453610). (I) 0905 - No published segregation evidence has been identified for this variant. (I) 1007 - No published functional evidence has been identified for this variant. (I) 1208 - Inheritance information for this variant is not currently available in this individual. (I) Legend: (SP) - Supporting pathogenic, (I) - Information, (SB) - Supporting benign

GeneDx
Classification: Likely pathogenic. Last evaluated: 2023-06-29. Review status: criteria provided, single submitter. Criteria: GeneDx Variant Classification Process June 2021. Collection method: clinical testing. Allele origin: germline. Affected: yes.
Comment: Reported in individuals with polycystic kidney disease in the literature (Hwang et al., 2016; Wang et al., 2019); Not observed at significant frequency in large population cohorts (gnomAD); In silico analysis supports that this missense variant does not alter protein structure/function; This variant is associated with the following publications: (PMID: 31056860, 26453610)

Blueprint Genetics
Classification: Uncertain significance. Last evaluated: 2018-12-20. Review status: criteria provided, single submitter. Criteria: ACMG Guidelines, 2015. Collection method: clinical testing. Allele origin: germline.

Athena Diagnostics
Classification: Uncertain significance. Last evaluated: 2017-10-30. Review status: criteria provided, single submitter. Criteria: Athena Diagnostics Criteria. Collection method: clinical testing. Allele origin: germline.

Juno Genomics, Hangzhou Juno Genomics, Inc
Classification: Uncertain significance for Polycystic kidney disease, adult type. Review status: criteria provided, single submitter. Criteria: ACMG Guidelines, 2015. Collection method: clinical testing. Allele origin: germline.
Comment: Absent from controls (or at extremely low frequency if recessive) in Genome Aggregation Database.;Multiple lines of computational evidence suggest no impact on gene or gene product.;Patient's phenotype or family history is highly specific for a disease with a single genetic etiology.

Literature cited by the submitters: PubMed 31056860 (cited by Department of Pathology and Laboratory Medicine, Sinai Health System and Victorian Clinical Genetics Services, Murdoch Childrens Research Institute); PubMed 26453610 (cited by 3 submitters).

NM_001009944.3(PKD1):c.1591G>A (p.Glu531Lys)

Gene: PKD1 (polycystin 1, transient receptor potential channel interacting; minus strand). Cytogenetic location: 16p13.3.
Variant type: single nucleotide variant.
Coding change: c.1591G>A on transcript NM_001009944.3 (MANE Select); coding-DNA position 1591, G replaced by A.
Protein change: p.Glu531Lys; replaces glutamic acid 531 with lysine.
Molecular consequence: missense variant.
Genome position (GRCh38, 1-based): chr16:2,116,848, C>T on the plus strand (G>A on the coding strand, the complement: PKD1 is on the minus strand). VCF-style: chr16-2116848-C-T. GRCh37 (hg19) VCF-style: chr16-2166849-C-T.
Other names: c.1591G>A, p.Glu531Lys (NM_000296.4); short protein forms E531K.
Identifiers: ClinVar variation 586252 (VCV000586252.10), dbSNP rs1567215326, ClinGen allele CA394391682.